The following is an entry in ClinVar:

ClinVar aggregate classification (germline): Uncertain significance (1 of 4 stars; one submission).

Conditions:
Fanconi anemia complementation group E (FANCE). Also called: FANCE-Related Fanconi Anemia. Identifiers: Orphanet 84, MedGen C3160739, MONDO:0010953, OMIM 600901.

gnomAD v4.1: 13 of 1,613,814 alleles (0.00081%); highest among the groups gnomAD compares: Non-Finnish European, 0.001%; no homozygotes.

Submission:

Labcorp Genetics (formerly Invitae), Labcorp
Classification: Uncertain significance for Fanconi anemia complementation group E. Last evaluated: 2025-12-17. Review status: criteria provided, single submitter. Criteria: Invitae Variant Classification Sherloc (09022015). Collection method: clinical testing. Allele origin: germline.
Comment: This sequence change replaces arginine, which is basic and polar, with leucine, which is neutral and non-polar, at codon 381 of the FANCE protein (p.Arg381Leu). This variant is not present in population databases (gnomAD no frequency). This variant has not been reported in the literature in individuals affected with FANCE-related conditions. Invitae Evidence Modeling of protein sequence and biophysical properties (such as structural, functional, and spatial information, amino acid conservation, physicochemical variation, residue mobility, and thermodynamic stability) indicates that this missense variant is expected to disrupt FANCE protein function with a positive predictive value of 80%. In summary, the available evidence is currently insufficient to determine the role of this variant in disease. Therefore, it has been classified as a Variant of Uncertain Significance.

NM_021922.3(FANCE):c.1142G>T (p.Arg381Leu)

Gene: FANCE (FA complementation group E; plus strand). Cytogenetic location: 6p21.31.
Variant type: single nucleotide variant.
Coding change: c.1142G>T on transcript NM_021922.3 (MANE Select); coding-DNA position 1142, G replaced by T.
Protein change: p.Arg381Leu; replaces arginine 381 with leucine.
Molecular consequence: missense variant.
Genome position (GRCh38, 1-based): chr6:35,459,359, G>T. VCF-style: chr6-35459359-G-T. GRCh37 (hg19) VCF-style: chr6-35427136-G-T.
Other names: c.1142G>T, p.Arg381Leu (NM_001410876.1); short protein forms R381L.
Identifiers: ClinVar variation 4708321 (VCV004708321.1).